The following is an entry in ClinVar:

ClinVar aggregate classification (germline): Conflicting classifications of pathogenicity. Review status: criteria provided, conflicting classifications (1 of 4 stars). 6 submissions from 6 submitters: Uncertain significance (5); Likely benign (1). Last evaluated 2025-10-14.

Conditions:
Hereditary cancer-predisposing syndrome. Also called: Tumor predisposition; Hereditary Cancer Syndrome; Hereditary neoplastic syndrome; Neoplastic Syndromes, Hereditary. Identifiers: Orphanet 140162, MedGen C0027672, MeSH D009386, MONDO:0015356.
Melanoma, cutaneous malignant, susceptibility to, 1 (CMM1). Also called: B-K MOLE SYNDROME; MELANOMA, MALIGNANT; DYSPLASTIC NEVUS SYNDROME, HEREDITARY; FAMILIAL ATYPICAL MOLE-MALIGNANT MELANOMA SYNDROME. Identifiers: Orphanet 618, MedGen C1835047, MONDO:0007963, OMIM 155600.
Peutz-Jeghers syndrome (PJS). Also called: POLYPOSIS, HAMARTOMATOUS INTESTINAL; POLYPS-AND-SPOTS SYNDROME; Peutz-Jeghers polyposis; Periorificial lentiginosis syndrome. Identifiers: Orphanet 2869, MedGen C0031269, MeSH D010580, MONDO:0008280, OMIM 175200.

gnomAD v4.1: 19 of 1,609,376 alleles (0.0012%); highest among the groups gnomAD compares: Non-Finnish European, 0.0016%; no homozygotes.

Submissions (6):

Labcorp Genetics (formerly Invitae), Labcorp
Classification: Uncertain significance for Peutz-Jeghers syndrome. Last evaluated: 2025-10-14. Review status: criteria provided, single submitter. Criteria: Invitae Variant Classification Sherloc (09022015). Collection method: clinical testing. Allele origin: germline.
Comment: This sequence change replaces proline, which is neutral and non-polar, with arginine, which is basic and polar, at codon 281 of the STK11 protein (p.Pro281Arg). This variant is not present in population databases (gnomAD no frequency). This variant has not been reported in the literature in individuals affected with STK11-related conditions. ClinVar contains an entry for this variant (Variation ID: 185022). Invitae Evidence Modeling of protein sequence and biophysical properties (such as structural, functional, and spatial information, amino acid conservation, physicochemical variation, residue mobility, and thermodynamic stability) indicates that this missense variant is not expected to disrupt STK11 protein function with a negative predictive value of 95%. In summary, the available evidence is currently insufficient to determine the role of this variant in disease. Therefore, it has been classified as a Variant of Uncertain Significance.

Ambry Genetics
Classification: Likely benign for Hereditary cancer-predisposing syndrome. Last evaluated: 2024-02-28. Review status: criteria provided, single submitter. Criteria: Ambry Variant Classification Scheme 2023. Collection method: clinical testing. Allele origin: germline.

All of Us Research Program, National Institutes of Health
Classification: Uncertain significance for Peutz-Jeghers syndrome. Last evaluated: 2024-01-11. Review status: criteria provided, single submitter. Criteria: ACMG Guidelines, 2015. Collection method: clinical testing. Allele origin: germline. Inheritance: Autosomal dominant inheritance. Observed: 2 variant alleles, 2 heterozygotes.
Comment: This missense variant replaces proline with arginine at codon 281 of the STK11 protein. Computational prediction suggests that this variant may not impact protein structure and function (internally defined REVEL score threshold <= 0.5, PMID: 27666373). To our knowledge, functional studies have not been reported for this variant. This variant has not been reported in individuals affected with STK11-related disorders in the literature. This variant has not been identified in the general population by the Genome Aggregation Database (gnomAD). The available evidence is insufficient to determine the role of this variant in disease conclusively. Therefore, this variant is classified as a Variant of Uncertain Significance.

This study involves interpretation of variants in research participants for the purpose of population health screening. Participant phenotype was not available at the time of variant classification. Additional details can be found in publication PMID: 35346344, PMCID: PMC8962531

Baylor Genetics
Classification: Uncertain significance for Melanoma, cutaneous malignant, susceptibility to, 1. Last evaluated: 2023-09-21. Review status: criteria provided, single submitter. Criteria: ACMG Guidelines, 2015. Collection method: clinical testing. Allele origin: unknown.

Color Diagnostics, LLC DBA Color Health
Classification: Uncertain significance for Hereditary cancer-predisposing syndrome. Last evaluated: 2023-08-17. Review status: criteria provided, single submitter. Criteria: ACMG Guidelines, 2015. Collection method: clinical testing. Allele origin: germline.
Comment: This missense variant replaces proline with arginine at codon 281 of the STK11 protein. Computational prediction suggests that this variant may not impact protein structure and function (internally defined REVEL score threshold <= 0.5, PMID: 27666373). To our knowledge, functional studies have not been reported for this variant. This variant has not been reported in individuals affected with STK11-related disorders in the literature. This variant has not been identified in the general population by the Genome Aggregation Database (gnomAD). The available evidence is insufficient to determine the role of this variant in disease conclusively. Therefore, this variant is classified as a Variant of Uncertain Significance.

Genome-Nilou Lab
Classification: Uncertain significance for Peutz-Jeghers syndrome. Last evaluated: 2021-07-15. Review status: criteria provided, single submitter. Criteria: ACMG Guidelines, 2015. Collection method: clinical testing. Allele origin: germline. Affected: no.

NM_000455.5(STK11):c.842C>G (p.Pro281Arg)

Gene: STK11 (serine/threonine kinase 11; plus strand). Cytogenetic location: 19p13.3.
Variant type: single nucleotide variant.
Coding change: c.842C>G on transcript NM_000455.5 (MANE Select); coding-DNA position 842, C replaced by G.
Protein change: p.Pro281Arg; replaces proline 281 with arginine.
Molecular consequence: missense variant.
Genome position (GRCh38, 1-based): chr19:1,221,320, C>G. VCF-style: chr19-1221320-C-G. GRCh37 (hg19) VCF-style: chr19-1221319-C-G.
Other names: short protein forms P281R.
Identifiers: ClinVar variation 185022 (VCV000185022.21), dbSNP rs121913322, ClinGen allele CA023303.
Genomic context (GRCh38, chr19:1,221,320, plus strand): 5'-ACAAGTTGTTTGAGAACATCGGGAAGGGGAGCTACGCCATCCCGGGCGACTGTGGCCCCC[C>G]GCTCTCTGACCTGCTGAAAGGTGGGAGCCTCATCCCTCTGCCCGCAGCCCCAGGGAGGCG-3'
Protein context (NP_000446.1, residues 271-291): SYAIPGDCGP[Pro281Arg]LSDLLKGMLE